The following is an entry in ClinVar:

ClinVar aggregate classification (germline): Uncertain significance (1 of 4 stars; one submission).

Conditions:
Inborn genetic diseases. Identifiers: MedGen C0950123, MeSH D030342.

Submission:

Ambry Genetics
Classification: Uncertain significance for Inborn genetic diseases. Last evaluated: 2021-10-29. Review status: criteria provided, single submitter. Criteria: Ambry Variant Classification Scheme 2023. Collection method: clinical testing. Allele origin: germline.
Comment: The p.H266R variant (also known as c.797A>G), located in coding exon 6 of the MIB1 gene, results from an A to G substitution at nucleotide position 797. The histidine at codon 266 is replaced by arginine, an amino acid with highly similar properties. This amino acid position is conserved. In addition, the in silico prediction for this alteration is inconclusive. Since supporting evidence is limited at this time, the clinical significance of this alteration remains unclear.

NM_020774.4(MIB1):c.797A>G (p.His266Arg)

Gene: MIB1 (MIB E3 ubiquitin protein ligase 1; plus strand). Cytogenetic location: 18q11.2.
Variant type: single nucleotide variant.
Coding change: c.797A>G on transcript NM_020774.4 (MANE Select); coding-DNA position 797, A replaced by G.
Protein change: p.His266Arg; replaces histidine 266 with arginine.
Molecular consequence: missense variant.
Genome position (GRCh38, 1-based): chr18:21,779,574, A>G. VCF-style: chr18-21779574-A-G. GRCh37 (hg19) VCF-style: chr18-19359535-A-G.
Other names: short protein forms H266R.
Identifiers: ClinVar variation 1761446 (VCV001761446.2), dbSNP rs2510720365, ClinGen allele CA401744075.